The following is an entry in ClinVar:

ClinVar aggregate classification (germline): Uncertain significance (1 of 4 stars; one submission).

Conditions:
Baller-Gerold syndrome (BGS). Also called: CRANIOSYNOSTOSIS WITH RADIAL DEFECTS. Identifiers: Orphanet 1225, MedGen C0265308, MONDO:0009039, OMIM 218600.

Submission:

Labcorp Genetics (formerly Invitae), Labcorp
Classification: Uncertain significance for Baller-Gerold syndrome. Last evaluated: 2024-02-06. Review status: criteria provided, single submitter. Criteria: Invitae Variant Classification Sherloc (09022015). Collection method: clinical testing. Allele origin: germline.
Comment: This sequence change replaces glutamic acid, which is acidic and polar, with alanine, which is neutral and non-polar, at codon 986 of the RECQL4 protein (p.Glu986Ala). This variant is present in population databases (no rsID available, gnomAD 0.003%). This variant has not been reported in the literature in individuals affected with RECQL4-related conditions. ClinVar contains an entry for this variant (Variation ID: 2012896). Advanced modeling of protein sequence and biophysical properties (such as structural, functional, and spatial information, amino acid conservation, physicochemical variation, residue mobility, and thermodynamic stability) performed at Invitae indicates that this missense variant is expected to disrupt RECQL4 protein function with a positive predictive value of 80%. In summary, the available evidence is currently insufficient to determine the role of this variant in disease. Therefore, it has been classified as a Variant of Uncertain Significance.

NM_004260.4(RECQL4):c.2957A>C (p.Glu986Ala)

Gene: RECQL4 (RecQ like helicase 4; minus strand). Cytogenetic location: 8q24.3.
Variant type: single nucleotide variant.
Coding change: c.2957A>C on transcript NM_004260.4 (MANE Select); coding-DNA position 2957, A replaced by C.
Protein change: p.Glu986Ala; replaces glutamic acid 986 with alanine.
Molecular consequence: missense variant.
Genome position (GRCh38, 1-based): chr8:144,512,490, T>G on the plus strand (A>C on the coding strand, the complement: RECQL4 is on the minus strand). VCF-style: chr8-144512490-T-G. GRCh37 (hg19) VCF-style: chr8-145737873-T-G.
Other names: c.2663A>C, p.Glu888Ala (NM_001413017.1); c.2759A>C, p.Glu920Ala (NM_001413018.1); c.3032A>C, p.Glu1011Ala (NM_001413019.1); c.2861A>C, p.Glu954Ala (NM_001413020.1); c.1886A>C, p.Glu629Ala (NM_001413021.1, NM_001413022.1, NM_001413024.1 and 4 more transcripts); c.1961A>C, p.Glu654Ala (NM_001413023.1); c.2828A>C, p.Glu943Ala (NM_001413025.1); c.1820A>C, p.Glu607Ala (NM_001413027.1, NM_001413030.1, NM_001413032.1); and 9 more; short protein forms E1011A, E607A, E632A, E869A, E920A, E497A, E619A, E943A.
Identifiers: ClinVar variation 2012896 (VCV002012896.4), dbSNP rs1201631803, ClinGen allele CA372673176.